The following is an entry in ClinVar:

NM_032444.4(SLX4):c.2013+137G>C

Gene: SLX4 (SLX4 structure-specific endonuclease subunit; minus strand). Cytogenetic location: 16p13.3.
Variant type: single nucleotide variant.
Coding change: c.2013+137G>C on transcript NM_032444.4 (MANE Select); 137 bases into the intron after coding-DNA position 2013, G replaced by C.
Molecular consequence: intron variant.
Genome position (GRCh38, 1-based): chr16:3,595,468, C>G on the plus strand (G>C on the coding strand, the complement: SLX4 is on the minus strand). VCF-style: chr16-3595468-C-G. GRCh37 (hg19) VCF-style: chr16-3645469-C-G.
Identifiers: ClinVar variation 929586 (VCV000929586.2), dbSNP rs80186343, ClinGen allele CA14291886.

ClinVar aggregate classification (germline): Benign. Review status: criteria provided, single submitter (1 of 4 stars). 2 submissions from 2 submitters: Benign (1). 1 of the submissions does not count toward it. Last evaluated 2019-02-24.

Allele frequency attached by ClinVar (database versions not stated): gnomAD exomes 0.05943; 1000 Genomes Project 30x 0.06465; 1000 Genomes Project 0.06989; gnomAD 0.07211 and 0.07384; TOPMed 0.07311.
gnomAD v4.1: 57,188 of 930,750 alleles (6.1%); highest among the groups gnomAD compares: African/African-American, 8.8%; 1,934 homozygotes.

Submissions (2):

GeneDx
Classification: Benign. Last evaluated: 2019-02-24. Review status: criteria provided, single submitter. Criteria: GeneDx Variant Classification Process June 2021. Collection method: clinical testing. Allele origin: germline. Affected: yes.

Leiden Open Variation Database
Classification: Likely benign. Last evaluated: 2012-08-31. Review status: no assertion criteria provided. Collection method: curation. Allele origin: germline. Affected: yes. Not counted in ClinVar's aggregate classification.
Comment: Curator: Arleen D. Auerbach. Submitter to LOVD: Janine Bakker.

Literature cited by the submitters: PubMed 22911665 (cited by Leiden Open Variation Database).